The following is an entry in ClinVar:

NM_001197104.2(KMT2A):c.939G>C (p.Lys313Asn)

Gene: KMT2A (lysine methyltransferase 2A; plus strand). Cytogenetic location: 11q23.3.
Variant type: single nucleotide variant.
Coding change: c.939G>C on transcript NM_001197104.2 (MANE Select); coding-DNA position 939, G replaced by C.
Protein change: p.Lys313Asn; replaces lysine 313 with asparagine.
Molecular consequence: missense variant.
Genome position (GRCh38, 1-based): chr11:118,472,098, G>C. VCF-style: chr11-118472098-G-C. GRCh37 (hg19) VCF-style: chr11-118342813-G-C.
Other names: c.1038G>C, p.Lys346Asn (NM_001412597.1); c.939G>C, p.Lys313Asn (NM_005933.4); short protein forms K313N, K346N.
Identifiers: ClinVar variation 4770094 (VCV004770094.1).

ClinVar aggregate classification (germline): Uncertain significance (1 of 4 stars; one submission).

Submission:

Labcorp Genetics (formerly Invitae), Labcorp
Classification: Uncertain significance. Last evaluated: 2025-07-10. Review status: criteria provided, single submitter. Criteria: Invitae Variant Classification Sherloc (09022015). Collection method: clinical testing. Allele origin: germline.
Comment: This sequence change replaces lysine, which is basic and polar, with asparagine, which is neutral and polar, at codon 313 of the KMT2A protein (p.Lys313Asn). This variant is not present in population databases (gnomAD no frequency). This variant has not been reported in the literature in individuals affected with KMT2A-related conditions. Invitae Evidence Modeling of protein sequence and biophysical properties (such as structural, functional, and spatial information, amino acid conservation, physicochemical variation, residue mobility, and thermodynamic stability) has been performed for this missense variant. However, the output from this modeling did not meet the statistical confidence thresholds required to predict the impact of this variant on KMT2A protein function. In summary, the available evidence is currently insufficient to determine the role of this variant in disease. Therefore, it has been classified as a Variant of Uncertain Significance.